The following is an entry in ClinVar:

ClinVar aggregate classification (germline): Likely benign. Review status: criteria provided, single submitter (1 of 4 stars). 2 submissions from 2 submitters: Likely benign (1). 1 of the submissions does not count toward it. Last evaluated 2022-03-03.

Conditions:
Frontotemporal dementia (FTD1). Also called: Frontotemporal lobe dementia (FLDEM); WILHELMSEN-LYNCH DISEASE; Dementia, frontotemporal, with or without parkinsonism; FRONTOTEMPORAL DEMENTIA WITH PARKINSONISM; FRONTOTEMPORAL LOBE DEMENTIA; MULTIPLE SYSTEM TAUOPATHY WITH PRESENILE DEMENTIA. Identifiers: Orphanet 282, MedGen C0338451, MONDO:0017276, OMIM 600274, HP:0002145.
MAPT-related disorder. Also called: MAPT-related condition; MAPT-Related Disorders.

Allele frequency attached by ClinVar (database versions not stated): TOPMed below 0.00001; ExAC 0.00001.
gnomAD v4.1: 5 of 1,613,666 alleles (0.00031%); highest among the groups gnomAD compares: Non-Finnish European, 0.00042%; no homozygotes.

Submissions (2):

Labcorp Genetics (formerly Invitae), Labcorp
Classification: Likely benign for Frontotemporal dementia. Last evaluated: 2022-03-03. Review status: criteria provided, single submitter. Criteria: Invitae Variant Classification Sherloc (09022015). Collection method: clinical testing. Allele origin: germline.

PreventionGenetics, part of Exact Sciences
Classification: Likely benign for MAPT-related condition. Last evaluated: 2023-04-24. Review status: no assertion criteria provided. Collection method: clinical testing. Allele origin: germline. Not counted in ClinVar's aggregate classification.
Comment: This variant is classified as likely benign based on ACMG/AMP sequence variant interpretation guidelines (Richards et al. 2015 PMID: 25741868, with internal and published modifications).

NM_001377265.1(MAPT):c.1995G>C (p.Gly665=)

Gene: MAPT (microtubule associated protein tau). Cytogenetic location: 17q21.31.
Variant type: single nucleotide variant.
Coding change: c.1995G>C on transcript NM_001377265.1 (MANE Select); coding-DNA position 1995, G replaced by C.
Protein change: p.Gly665=; no amino-acid change (glycine 665 retained).
Molecular consequence: synonymous variant. On other transcripts: non-coding transcript variant (1).
Genome position (GRCh38, 1-based): chr17:45,996,661, G>C. VCF-style: chr17-45996661-G-C. GRCh37 (hg19) VCF-style: chr17-44074027-G-C.
Other names: c.1824G>C, p.Gly608= (NM_001123066.4); c.732G>C, p.Gly244= (NM_001123067.4, NM_001203251.2, NM_001377267.1); c.819G>C, p.Gly273= (NM_001203252.2, NM_005910.6); c.1797G>C, p.Gly599= (NM_001377266.1); c.645G>C, p.Gly215= (NM_001377268.1, NM_016834.5, NM_016841.5); c.1770G>C, p.Gly590= (NM_016835.5); c.1824G>C (NM_001123066.3).
Identifiers: ClinVar variation 2062379 (VCV002062379.6), dbSNP rs746497810, ClinGen allele CA8618067.
Genomic context (GRCh38, chr17:45,996,661, plus strand): 5'-GAAGAATGTCAAGTCCAAGATCGGCTCCACTGAGAACCTGAAGCACCAGCCGGGAGGCGG[G>C]AAGGTGAGAGTGGCTGGCTGCGCGTGGAGGTGTGGGGGGCTGCGCCTGGAGGGGTAGGGC-3'
Protein context (NP_001364194.1, residues 655-675): TENLKHQPGG[Gly665=]KVQIINKKLD